The following is an entry in ClinVar:

NM_001243133.2(NLRP3):c.2286G>A (p.Thr762=)

Gene: NLRP3 (NLR family pyrin domain containing 3; plus strand). Cytogenetic location: 1q44.
Variant type: single nucleotide variant.
Coding change: c.2286G>A on transcript NM_001243133.2 (MANE Select); coding-DNA position 2286, G replaced by A.
Protein change: p.Thr762=; no amino-acid change (threonine 762 retained).
Molecular consequence: synonymous variant. On other transcripts: intron variant (2).
Genome position (GRCh38, 1-based): chr1:247,429,720, G>A. VCF-style: chr1-247429720-G-A. GRCh37 (hg19) VCF-style: chr1-247593022-G-A.
Other names: c.2292G>A (NM_004895.4); c.2286G>A, p.Thr762= (NM_001079821.3, NM_001127461.3); c.2292G>A, p.Thr764= (NM_004895.5); c.2150+4121G>A (NM_001127462.3, NM_183395.3).
Identifiers: ClinVar variation 1101075 (VCV001101075.10), dbSNP rs199765599, ClinGen allele CA1495167.
Genomic context (GRCh38, chr1:247,429,720, plus strand): 5'-TGAATTGGACCTCAGTGACAATTCTCTGGGGGACCCAGGGATGAGAGTGTTGTGTGAAAC[G>A]CTCCAGCATCCTGGCTGTAACATTCGGAGATTGTGGTGAGTCCCCGTGCATGTGATCTGT-3'
Protein context (NP_001230062.1, residues 752-772): GDPGMRVLCE[Thr762=]LQHPGCNIRR

ClinVar aggregate classification (germline): Likely benign. Review status: criteria provided, multiple submitters, no conflicts (2 of 4 stars). 2 submissions from 2 submitters: Likely benign (2). Last evaluated 2026-01-24.

Conditions:
NLRP3-related disorder. Also called: NLRP3-related condition; NLRP3-Related Disorders.
Cryopyrin associated periodic syndrome (CAPS). Identifiers: Orphanet 208650, MedGen C2316212, MONDO:0016168.

Allele frequency attached by ClinVar (database versions not stated): gnomAD 0.00002; TOPMed 0.00003; ExAC 0.00004.
gnomAD v4.1: 34 of 1,613,920 alleles (0.0021%); highest among the groups gnomAD compares: South Asian, 0.0088%; no homozygotes.

Submissions (2):

Labcorp Genetics (formerly Invitae), Labcorp
Classification: Likely benign for Cryopyrin associated periodic syndrome. Last evaluated: 2026-01-24. Review status: criteria provided, single submitter. Criteria: Invitae Variant Classification Sherloc (09022015). Collection method: clinical testing. Allele origin: germline.

PreventionGenetics, part of Exact Sciences
Classification: Likely benign for NLRP3-related condition. Last evaluated: 2025-03-19. Review status: criteria provided, single submitter. Criteria: ACMG Guidelines, 2015. Collection method: clinical testing. Allele origin: germline.
Comment: This variant is classified as likely benign based on ACMG/AMP sequence variant interpretation guidelines (Richards et al. 2015 PMID: 25741868, with internal and published modifications).